The following is an entry in ClinVar:

ClinVar aggregate classification (germline): Benign (1 of 4 stars; one submission).

Allele frequency attached by ClinVar (database versions not stated): gnomAD exomes 0.36859; gnomAD 0.37322 and 0.37988; TOPMed 0.38762; 1000 Genomes Project 30x 0.45284; 1000 Genomes Project 0.45407.
gnomAD v4.1: 283,410 of 765,376 alleles (37%); highest among the groups gnomAD compares: East Asian, 70%; 56,154 homozygotes.

Submission:

GeneDx
Classification: Benign. Last evaluated: 2018-06-14. Review status: criteria provided, single submitter. Criteria: GeneDx Variant Classification (06012015). Collection method: clinical testing. Allele origin: germline. Affected: yes.
Comment: This variant is considered likely benign or benign based on one or more of the following criteria: it is a conservative change, it occurs at a poorly conserved position in the protein, it is predicted to be benign by multiple in silico algorithms, and/or has population frequency not consistent with disease.

NM_000093.5(COL5A1):c.2286+146T>C

Gene: COL5A1 (collagen type V alpha 1 chain; plus strand). Cytogenetic location: 9q34.3.
Variant type: single nucleotide variant.
Coding change: c.2286+146T>C on transcript NM_000093.5 (MANE Select); 146 bases into the intron after coding-DNA position 2286, T replaced by C.
Molecular consequence: intron variant.
Genome position (GRCh38, 1-based): chr9:134,768,609, T>C. VCF-style: chr9-134768609-T-C. GRCh37 (hg19) VCF-style: chr9-137660455-T-C.
Other names: c.2286+146T>C (NM_001278074.1).
Identifiers: ClinVar variation 673131 (VCV000673131.1), dbSNP rs10776901, ClinGen allele CA13060267.
Genomic context (GRCh38, chr9:134,768,609, plus strand): 5'-TGTTGTTGGACGGCATTGACTCATTCTGGCTCTGTTGATGAAGACCCGTTTGGTCTCCAG[T>C]TGGACTGCTCGGTCATTCTTGGGTTCTGGACACCCTTAACATCATGGATTTTAATCAACG-3'